The following is an entry in ClinVar:

ClinVar aggregate classification (germline): Uncertain significance (1 of 4 stars; one submission).

Conditions:
Charcot-Marie-Tooth disease axonal type 2O. Also called: CHARCOT-MARIE-TOOTH NEUROPATHY, AXONAL, TYPE 2O; CHARCOT-MARIE-TOOTH DISEASE, AXONAL, AUTOSOMAL DOMINANT, TYPE 2O; Charcot-Marie-Tooth Neuropathy Type 2O; Charcot-Marie-Tooth disease, axonal, type 20. Identifiers: Orphanet 284232, MedGen C3280220, MONDO:0013644, OMIM 614228.

Submission:

Center for Human Genetics and Genomic Medicine, Uniklinik Rwth Aachen
Classification: Uncertain significance for Charcot-Marie-Tooth disease axonal type 2O. Last evaluated: 2021-07-15. Review status: criteria provided, single submitter. Criteria: ACMG Guidelines, 2015. Collection method: clinical testing. Allele origin: germline. Affected: yes.
Comment: The variant is absent from population databases and it has not been reported in the literature. Segregation analyses have not yet been performed. Bioinformatic prediction tools point to pathogenicity. We have classified it as a "variant of unknown significance".

NM_001376.5(DYNC1H1):c.3877G>C (p.Asp1293His)

Gene: DYNC1H1 (dynein cytoplasmic 1 heavy chain 1; plus strand). Cytogenetic location: 14q32.31.
Variant type: single nucleotide variant.
Coding change: c.3877G>C on transcript NM_001376.5 (MANE Select); coding-DNA position 3877, G replaced by C.
Protein change: p.Asp1293His; replaces aspartic acid 1293 with histidine.
Molecular consequence: missense variant.
Genome position (GRCh38, 1-based): chr14:102,000,061, G>C. VCF-style: chr14-102000061-G-C. GRCh37 (hg19) VCF-style: chr14-102466398-G-C.
Other names: short protein forms D1293H.
Identifiers: ClinVar variation 1180498 (VCV001180498.2), dbSNP rs201107645, ClinGen allele CA391038406.